The following is an entry in ClinVar:

NM_000083.3(CLCN1):c.1948G>A (p.Gly650Ser)

Genes: CLCN1 (chloride voltage-gated channel 1; plus strand), LOC123956257 (Sharpr-MPRA regulatory region 4117; plus strand). Cytogenetic location: 7q34.
Variant type: single nucleotide variant.
Coding change: c.1948G>A on transcript NM_000083.3 (MANE Select); coding-DNA position 1948, G replaced by A.
Protein change: p.Gly650Ser; replaces glycine 650 with serine.
Molecular consequence: missense variant. On other transcripts: non-coding transcript variant (1).
Genome position (GRCh38, 1-based): chr7:143,345,538, G>A. VCF-style: chr7-143345538-G-A. GRCh37 (hg19) VCF-style: chr7-143042631-G-A.
Other names: short protein forms G650S.
Identifiers: ClinVar variation 995340 (VCV000995340.6), dbSNP rs1181586555, ClinGen allele CA369649403.

ClinVar aggregate classification (germline): Uncertain significance. Review status: criteria provided, multiple submitters, no conflicts (2 of 4 stars). 2 submissions from 2 submitters: Uncertain significance (2). Last evaluated 2024-11-13.

Conditions:
Congenital myotonia, autosomal dominant form (THD). Also called: THOMSEN DISEASE; Myotonia congenita autosomal dominant. Identifiers: Orphanet 614, MedGen C2936781, MONDO:0008055, OMIM 160800.
Congenital myotonia, autosomal recessive form. Also called: BECKER DISEASE; Becker Generalized Myotonia; myotonia congenita, autosomal recessive. Identifiers: Orphanet 614, MedGen C0751360, MONDO:0009715, OMIM 255700.

Allele frequency attached by ClinVar (database versions not stated): TOPMed 0.00001.

Submissions (2):

Labcorp Genetics (formerly Invitae), Labcorp
Classification: Uncertain significance for Congenital myotonia, autosomal recessive form; Congenital myotonia, autosomal dominant form. Last evaluated: 2024-11-13. Review status: criteria provided, single submitter. Criteria: Invitae Variant Classification Sherloc (09022015). Collection method: clinical testing. Allele origin: germline.
Comment: This sequence change replaces glycine, which is neutral and non-polar, with serine, which is neutral and polar, at codon 650 of the CLCN1 protein (p.Gly650Ser). This variant is not present in population databases (gnomAD no frequency). This missense change has been observed in individual(s) with autosomal recessive myotonia congenita (internal data). ClinVar contains an entry for this variant (Variation ID: 995340). Invitae Evidence Modeling of protein sequence and biophysical properties (such as structural, functional, and spatial information, amino acid conservation, physicochemical variation, residue mobility, and thermodynamic stability) indicates that this missense variant is expected to disrupt CLCN1 protein function with a positive predictive value of 95%. In summary, the available evidence is currently insufficient to determine the role of this variant in disease. Therefore, it has been classified as a Variant of Uncertain Significance.

Athena Diagnostics
Classification: Uncertain significance. Last evaluated: 2019-11-04. Review status: criteria provided, single submitter. Criteria: Athena Diagnostics Criteria. Collection method: clinical testing. Allele origin: unknown.